The following is an entry in ClinVar:

NM_024301.5(FKRP):c.1387A>G (p.Asn463Asp)

Gene: FKRP (fukutin related protein; plus strand). Cytogenetic location: 19q13.32.
Variant type: single nucleotide variant.
Coding change: c.1387A>G on transcript NM_024301.5 (MANE Select); coding-DNA position 1387, A replaced by G.
Protein change: p.Asn463Asp; replaces asparagine 463 with aspartic acid.
Molecular consequence: missense variant.
Genome position (GRCh38, 1-based): chr19:46,756,837, A>G. VCF-style: chr19-46756837-A-G. GRCh37 (hg19) VCF-style: chr19-47260094-A-G.
Other names: c.1387A>G, p.Asn463Asp (NM_001039885.3); short protein forms N463D.
Identifiers: ClinVar variation 4235 (VCV000004235.71), dbSNP rs121908110, ClinGen allele CA116728.
Genomic context (GRCh38, chr19:46,756,837, plus strand): 5'-GAGCACTTCCTGCAGCCGCTGGTGCCCCTGCCCTTTGCCGGCTTCGTGGCGCAGGCGCCT[A>G]ACAACTACCGCCGCTTCCTGGAGCTCAAGTTCGGGCCCGGGGTCATCGAGAACCCCCAGT-3'
Protein context (NP_077277.1, residues 453-473): PFAGFVAQAP[Asn463Asp]NYRRFLELKF

ClinVar aggregate classification (germline): Pathogenic/Likely pathogenic. Review status: criteria provided, multiple submitters, no conflicts (2 of 4 stars). 14 submissions from 14 submitters: Pathogenic (11); Likely pathogenic (2). 1 of the submissions does not count toward it. Last evaluated 2026-01-04.

Conditions:
Cardiovascular phenotype. Identifiers: MedGen CN230736.
Walker-Warburg congenital muscular dystrophy. Also called: Muscular dystrophy-dystroglycanopathy, type A; Walker-Warburg syndrome. Identifiers: Orphanet 899, MedGen C0265221, MONDO:0000171.
Muscular dystrophy. Identifiers: Orphanet 98473, MedGen C0026850, MeSH D009136, MONDO:0020121, HP:0003560.
Muscular dystrophy-dystroglycanopathy (congenital with brain and eye anomalies), type A1 (MDDGA1). Also called: Muscular dystrophy-dystroglycanopathy (congenital with brain and eye anomalies), type A, 1; WALKER-WARBURG SYNDROME OR MUSCLE-EYE-BRAIN DISEASE, POMT1-RELATED; Hydrocephalus, agyria and retinal dysplasia; Hard +/- E syndrome; Warburg syndrome; Chemke syndrome. Identifiers: Orphanet 588, Orphanet 899, MedGen C4284790, MONDO:0009364, OMIM 236670.
Muscular dystrophy-dystroglycanopathy type B5 (MDDGB5). Also called: MUSCULAR DYSTROPHY-DYSTROGLYCANOPATHY (CONGENITAL WITH OR WITHOUT IMPAIRED INTELLECTUAL DEVELOPMENT), TYPE B, 5; MUSCULAR DYSTROPHY, CONGENITAL, 1C; MUSCULAR DYSTROPHY, CONGENITAL, FKRP-RELATED. Identifiers: MedGen C1847759, MONDO:0011688, OMIM 606612.
Autosomal recessive limb-girdle muscular dystrophy type 2I. Also called: MUSCULAR DYSTROPHY-DYSTROGLYCANOPATHY, LIMB-GIRDLE, FRKP-RELATED; MUSCULAR DYSTROPHY-DYSTROGLYCANOPATHY (LIMB-GIRDLE), TYPE C, 5; MUSCULAR DYSTROPHY, LIMB-GIRDLE, TYPE 2I. Identifiers: Orphanet 34515, MedGen C1846672, MONDO:0011787, OMIM 607155.
Muscular dystrophy-dystroglycanopathy (congenital with brain and eye anomalies), type A5. Also called: WALKER-WARBURG SYNDROME OR MUSCLE-EYE-BRAIN DISEASE, FKRP-RELATED; MUSCULAR DYSTROPHY-DYSTROGLYCANOPATHY (CONGENITAL WITH BRAIN AND EYE ANOMALIES), TYPE A, 5. Identifiers: Orphanet 588, Orphanet 899, MedGen C3150413, MONDO:0013157, OMIM 613153.
Autosomal recessive limb-girdle muscular dystrophy. Identifiers: Orphanet 102015, MedGen C2931907, MONDO:0015152.
Muscular dystrophy-dystroglycanopathy (congenital without impaired intellectual development), type B, 5. Identifiers: MedGen C4016970.

Allele frequency attached by ClinVar (database versions not stated): TOPMed 0.00005; gnomAD exomes 0.00006 and 0.00012; ExAC 0.00017; gnomAD 0.00002.
gnomAD v4.1: 37 of 1,601,298 alleles (0.0023%); highest among the groups gnomAD compares: Admixed American, 0.062%; no homozygotes.

Submissions 1 to 6 of 14:

Labcorp Genetics (formerly Invitae), Labcorp
Classification: Pathogenic for Walker-Warburg congenital muscular dystrophy. Last evaluated: 2026-01-04. Review status: criteria provided, single submitter. Criteria: Invitae Variant Classification Sherloc (09022015). Collection method: clinical testing. Allele origin: germline.
Comment: This sequence change replaces asparagine, which is neutral and polar, with aspartic acid, which is acidic and polar, at codon 463 of the FKRP protein (p.Asn463Asp). This variant is present in population databases (rs121908110, gnomAD 0.09%). This missense change has been observed in individual(s) with congenital muscular dystrophy and/or limb-girdle muscular dystrophy (PMID: 17336067; internal data database). In at least one individual the data is consistent with being in trans (on the opposite chromosome) from a pathogenic variant. It is commonly reported in individuals of Mexican ancestry (PMID: 17336067; internal data database). ClinVar contains an entry for this variant (Variation ID: 4235). Invitae Evidence Modeling of protein sequence and biophysical properties (such as structural, functional, and spatial information, amino acid conservation, physicochemical variation, residue mobility, and thermodynamic stability) indicates that this missense variant is expected to disrupt FKRP protein function with a positive predictive value of 95%. For these reasons, this variant has been classified as Pathogenic.

Natera, Inc.
Classification: Pathogenic for Limb-girdle muscular dystrophy type 2I. Last evaluated: 2025-12-02. Review status: criteria provided, single submitter. Criteria: Natera Variant Classification Schema (03/2026). Collection method: clinical testing. Allele origin: germline.
Comment: The c.1387A>G variant in FKRP is a missense variant predicted to cause substitution of asparagine to aspartic acid at amino acid 463. This variant is rare in the general population with a frequency below the threshold expected for the associated phenotype(s). This variant has been observed in one or more individuals affected with the associated recessive disease, as either homozygous or compound heterozygous with a second variant (PMID: 17336067, 29065428). Additionally, this variant has been observed to segregate in affected family members (PMID: 29065428). Computational prediction algorithms indicate this variant is likely to affect gene or protein function. Given the available evidence, this variant is classified as Pathogenic.

Variantyx, Inc.
Classification: Likely pathogenic for Autosomal recessive limb-girdle muscular dystrophy type 2I. Last evaluated: 2025-11-06. Review status: criteria provided, single submitter. Criteria: Variantyx Assertion Criteria 2022. Collection method: clinical testing. Allele origin: germline. Inheritance: Autosomal recessive inheritance. Affected: yes.
Comment: This is a nonsynonymous variant in the FKRP gene (OMIM: 606596). Pathogenic variants in this gene have been associated with autosomal recessive limb girdle muscular dystrophy dystroglycanopathy type C5. This variant has been identified in the homozygous or compound heterozygous state in at least 9 individuals reported in the published literature (PMID: 17336067, 31041397, 29065428) (PM3_Strong). Functional studies have shown that this variant alters FKRP protein function (PMID: 31041397) (PS3_Moderate), and multiple computational algorithms predict a deleterious effect for this variant (REVEL score: 0.894) (PP3). This variant has a 0.0629% maximum allele frequency in non-founder control populations (PM2). Based on the current evidence, this variant is classified as likely pathogenic for autosomal recessive limb girdle muscular dystrophy dystroglycanopathy type C5.

3billion
Classification: Pathogenic for Muscular dystrophy-dystroglycanopathy type B5. Last evaluated: 2025-07-28. Review status: criteria provided, single submitter. Criteria: ACMG Guidelines, 2015. Collection method: clinical testing. Allele origin: germline. Affected: yes.
Comment: The variant is observed at an extremely low frequency in the gnomAD v4.1.0 dataset (total allele frequency: 0.002%). Predicted Consequence/Location: Missense variant In silico tool predictions suggest damaging effect of the variant on gene or gene product [REVEL: 0.89 (>=0.6, sensitivity 0.68 and specificity 0.92); 3Cnet: 0.99 (> 0.75, sensitivity 0.96 and precision 0.92)]. The same nucleotide change resulting in the same amino acid change has been previously reported as pathogenic/likely pathogenic with strong evidence (ClinVar ID: VCV000004235 /PMID: 17336067 /3billion dataset). Different missense changes at the same codon (p.Asn463Ile, p.Asn463Lys, p.Asn463Ser) have been reported as pathogenic/likely pathogenic with strong evidence (ClinVar ID: VCV001066164, VCV001516962, VCV001957901). Therefore, this variant is classified as Pathogenic according to the recommendation of ACMG/AMP guideline.

Baylor Genetics
Classification: Pathogenic for Muscular dystrophy-dystroglycanopathy (congenital with brain and eye anomalies), type A5. Last evaluated: 2024-03-16. Review status: criteria provided, single submitter. Criteria: ACMG Guidelines, 2015. Collection method: clinical testing. Allele origin: unknown.

Ambry Genetics
Classification: Pathogenic for Cardiovascular phenotype. Last evaluated: 2024-02-23. Review status: criteria provided, single submitter. Criteria: Ambry Variant Classification Scheme 2023. Collection method: clinical testing. Allele origin: germline.
Comment: The p.N463D pathogenic mutation (also known as c.1387A>G), located in coding exon 1 of the FKRP gene, results from an A to G substitution at nucleotide position 1387. The asparagine at codon 463 is replaced by aspartic acid, an amino acid with highly similar properties. This alteration has been reported in the homozygous state in multiple individuals with congenital muscular dystrophy, including hypotonia, motor delay, and elevated CK (MacLeod H et al. Neuromuscul. Disord., 2007 Apr;17:285-9; Navarro-Cobos MJ et al. Neuropediatrics, 2017 12;48:442-450; Lee AJ et al. Neurol Genet, 2019 Apr;5:e315). In addition, this variant has been reported in trans with a second FKRP alteration (Navarro-Cobos MJ et al. Neuropediatrics, 2017 12;48:442-450; Lee AJ et al. Neurol Genet, 2019 Apr;5:e315). It has been suggested that this might be a founder allele in individuals with Latino ancestry (Navarro-Cobos MJ et al. Neuropediatrics, 2017 12;48:442-450). Muscle biopsy from individuals homozygous for this alteration showed myopathic changes including variation in myofiber size, fatty replacement and endomysial fibrosis, absent alpha-dystroglycan staining, reduction in beta-dystroglycan as well as alpha-, beta-, and gamma-sarcoglycan staining, and mild focal reduction of dystrophin and merosin staining (MacLeod H et al. Neuromuscul. Disord., 2007 Apr;17:285-9). This amino acid position is highly conserved in available vertebrate species. In addition, the in silico prediction for this alteration is inconclusive. Based on the supporting evidence, this alteration is interpreted as a disease-causing mutation.